The following is an entry in ClinVar:

NM_000091.5(COL4A3):c.2981-10T>A

Genes: COL4A3 (collagen type IV alpha 3 chain; plus strand), MFF-DT (MFF divergent transcript; minus strand). Cytogenetic location: 2q36.3.
Variant type: single nucleotide variant.
Coding change: c.2981-10T>A on transcript NM_000091.5 (MANE Select); 10 bases into the intron before coding-DNA position 2981, T replaced by A.
Molecular consequence: intron variant.
Genome position (GRCh38, 1-based): chr2:227,289,989, T>A. VCF-style: chr2-227289989-T-A. GRCh37 (hg19) VCF-style: chr2-228154705-T-A.
Identifiers: ClinVar variation 1699616 (VCV001699616.2), dbSNP rs2106205916, ClinGen allele CA2580065933.

ClinVar aggregate classification (germline): Uncertain significance (1 of 4 stars; one submission).

Submission:

GeneDx
Classification: Uncertain significance. Last evaluated: 2022-01-27. Review status: criteria provided, single submitter. Criteria: GeneDx Variant Classification Process June 2021. Collection method: clinical testing. Allele origin: germline. Affected: yes.
Comment: Not observed at significant frequency in large population cohorts (gnomAD); Has not been previously published as pathogenic or benign to our knowledge; In-silico analysis is inconclusive as to whether the variant alters gene splicing. In the absence of RNA/functional studies, the actual effect of this sequence change is unknown.